The following is an entry in ClinVar:

NM_033056.4(PCDH15):c.4703A>G (p.Glu1568Gly)

Gene: PCDH15 (protocadherin related 15; minus strand). Cytogenetic location: 10q21.1.
Variant type: single nucleotide variant.
Coding change: c.4703A>G on transcript NM_033056.4 (MANE Plus Clinical); coding-DNA position 4703, A replaced by G.
Protein change: p.Glu1568Gly; replaces glutamic acid 1568 with glycine.
Molecular consequence: missense variant. On other transcripts: intron variant (8).
Genome position (GRCh38, 1-based): chr10:53,823,023, T>C on the plus strand (A>G on the coding strand, the complement: PCDH15 is on the minus strand). VCF-style: chr10-53823023-T-C. GRCh37 (hg19) VCF-style: chr10-55582783-T-C.
Other names: c.4724A>G, p.Glu1575Gly (NM_001142763.2); c.4709A>G, p.Glu1570Gly (NM_001142764.2); c.4496A>G, p.Glu1499Gly (NM_001142765.2); c.4694A>G, p.Glu1565Gly (NM_001142766.2); c.4583A>G, p.Glu1528Gly (NM_001142767.2); c.4643A>G, p.Glu1548Gly (NM_001142768.2); c.4634A>G, p.Glu1545Gly (NM_001142773.2); c.4637A>G, p.Glu1546Gly (NM_001354404.2); and 6 more; short protein forms E1499G, E1570G, E1528G, E1546G, E1548G, E1565G, E1545G, E1568G.
Identifiers: ClinVar variation 1974554 (VCV001974554.5), dbSNP rs143844556, ClinGen allele CA207220529.

ClinVar aggregate classification (germline): Uncertain significance (1 of 4 stars; one submission).

Allele frequency attached by ClinVar (database versions not stated): ESP Exome Variant Server 0.00008; gnomAD exomes below 0.00001; TOPMed below 0.00001.
gnomAD v4.1: 1 of 1,614,038 alleles (0.000062%); highest among the groups gnomAD compares: Non-Finnish European, 0.000085%; no homozygotes.

Submission:

Labcorp Genetics (formerly Invitae), Labcorp
Classification: Uncertain significance. Last evaluated: 2021-12-25. Review status: criteria provided, single submitter. Criteria: Invitae Variant Classification Sherloc (09022015). Collection method: clinical testing. Allele origin: germline.
Comment: This sequence change replaces glutamic acid, which is acidic and polar, with glycine, which is neutral and non-polar, at codon 1568 of the PCDH15 protein (p.Glu1568Gly). This variant is not present in population databases (gnomAD no frequency). This variant has not been reported in the literature in individuals affected with PCDH15-related conditions. Algorithms developed to predict the effect of missense changes on protein structure and function output the following: SIFT: "Deleterious"; PolyPhen-2: "Benign"; Align-GVGD: "Class C0". The glycine amino acid residue is found in multiple mammalian species, which suggests that this missense change does not adversely affect protein function. In summary, the available evidence is currently insufficient to determine the role of this variant in disease. Therefore, it has been classified as a Variant of Uncertain Significance.